The following is an entry in ClinVar:

ClinVar aggregate classification (germline): Uncertain significance (1 of 4 stars; one submission).

Allele frequency attached by ClinVar (database versions not stated): gnomAD 0.00007; ESP Exome Variant Server 0.00015; ExAC 0.00029; 1000 Genomes Project 30x 0.00078; 1000 Genomes Project 0.00080.
gnomAD v4.1: 179 of 1,614,218 alleles (0.011%); highest among the groups gnomAD compares: South Asian, 0.15%; 2 homozygotes.

Submissions (2):

Labcorp Genetics (formerly Invitae), Labcorp
Classification: Uncertain significance. Last evaluated: 2024-01-21. Review status: criteria provided, single submitter. Criteria: Invitae Variant Classification Sherloc (09022015). Collection method: clinical testing. Allele origin: germline.
Comment: This sequence change replaces alanine, which is neutral and non-polar, with valine, which is neutral and non-polar, at codon 283 of the PLTP protein (p.Ala283Val). This variant is present in population databases (rs142277281, gnomAD 0.2%), and has an allele count higher than expected for a pathogenic variant. This variant has not been reported in the literature in individuals affected with PLTP-related conditions. An algorithm developed to predict the effect of missense changes on protein structure and function (PolyPhen-2) suggests that this variant is likely to be disruptive. In summary, the available evidence is currently insufficient to determine the role of this variant in disease. Therefore, it has been classified as a Variant of Uncertain Significance.

Dr. Peter K. Rogan Lab, Western University
No classification provided (evidence only). Condition: Hepatocellular carcinoma. Review status: no classification provided. Collection method: in vitro. Allele origin: not applicable. Functional consequence: retained intron. Not counted in ClinVar's aggregate classification.

NM_006227.4(PLTP):c.848C>T (p.Ala283Val)

Gene: PLTP (phospholipid transfer protein; minus strand). Cytogenetic location: 20q13.12.
Variant type: single nucleotide variant.
Coding change: c.848C>T on transcript NM_006227.4 (MANE Select); coding-DNA position 848, C replaced by T.
Protein change: p.Ala283Val; replaces alanine 283 with valine.
Molecular consequence: missense variant.
Genome position (GRCh38, 1-based): chr20:45,904,976, G>A on the plus strand (C>T on the coding strand, the complement: PLTP is on the minus strand). VCF-style: chr20-45904976-G-A. GRCh37 (hg19) VCF-style: chr20-44533615-G-A.
Other names: c.563C>T, p.Ala188Val (NM_001242920.2); c.584C>T, p.Ala195Val (NM_001242921.1); c.692C>T, p.Ala231Val (NM_182676.3); short protein forms A188V, A231V, A195V, A283V.
Identifiers: ClinVar variation 3020935 (VCV003020935.4), dbSNP rs142277281, ClinGen allele CA9883706.